The following is an entry in ClinVar:

NM_031885.5(BBS2):c.1209C>T (p.Arg403=)

Gene: BBS2 (Bardet-Biedl syndrome 2; minus strand). Cytogenetic location: 16q13.
Variant type: single nucleotide variant.
Coding change: c.1209C>T on transcript NM_031885.5 (MANE Select); coding-DNA position 1209, C replaced by T.
Protein change: p.Arg403=; no amino-acid change (arginine 403 retained).
Molecular consequence: synonymous variant. On other transcripts: non-coding transcript variant (5).
Genome position (GRCh38, 1-based): chr16:56,501,369, G>A on the plus strand (C>T on the coding strand, the complement: BBS2 is on the minus strand). VCF-style: chr16-56501369-G-A. GRCh37 (hg19) VCF-style: chr16-56535281-G-A.
Other names: c.1209C>T, p.Arg403= (NM_001377456.1); c.1209C>T (NM_031885.3).
Identifiers: ClinVar variation 1141182 (VCV001141182.12), dbSNP rs747086491, ClinGen allele CA8065807.

ClinVar aggregate classification (germline): Likely benign. Review status: criteria provided, multiple submitters, no conflicts (2 of 4 stars). 4 submissions from 4 submitters: Likely benign (4). Last evaluated 2025-12-14.

Conditions:
BBS2-related disorder. Also called: BBS2-related condition; BBS2-related disorders. Identifiers: MedGen CN239228.
Bardet-Biedl syndrome (BBS). Identifiers: Orphanet 110, MedGen C0752166, MONDO:0015229.

Allele frequency attached by ClinVar (database versions not stated): gnomAD 0.00001 and 0.00005; TOPMed 0.00002; ExAC 0.00003; gnomAD exomes 0.00003 and 0.00004.
gnomAD v4.1: 59 of 1,614,044 alleles (0.0037%); highest among the groups gnomAD compares: Middle Eastern, 0.049%; no homozygotes.

Submissions (4):

Labcorp Genetics (formerly Invitae), Labcorp
Classification: Likely benign for Bardet-Biedl syndrome. Last evaluated: 2025-12-14. Review status: criteria provided, single submitter. Criteria: Invitae Variant Classification Sherloc (09022015). Collection method: clinical testing. Allele origin: germline.

PreventionGenetics, part of Exact Sciences
Classification: Likely benign for BBS2-related condition. Last evaluated: 2025-02-05. Review status: criteria provided, single submitter. Criteria: ACMG Guidelines, 2015. Collection method: clinical testing. Allele origin: germline.
Comment: This variant is classified as likely benign based on ACMG/AMP sequence variant interpretation guidelines (Richards et al. 2015 PMID: 25741868, with internal and published modifications).

Women's Health and Genetics/Laboratory Corporation of America, LabCorp
Classification: Likely benign. Last evaluated: 2024-12-06. Review status: criteria provided, single submitter. Criteria: LabCorp Variant Classification Summary - May 2015. Collection method: clinical testing. Allele origin: germline.

Blueprint Genetics
Classification: Likely benign. Last evaluated: 2023-10-05. Review status: criteria provided, single submitter. Criteria: ACMG Guidelines, 2015. Collection method: clinical testing. Allele origin: germline.